The following is an entry in ClinVar:

ClinVar aggregate classification (germline): Pathogenic (1 of 4 stars; one submission).

Conditions:
Pontocerebellar hypoplasia type 1A (PCH1A). Also called: PONTOCEREBELLAR HYPOPLASIA WITH ANTERIOR HORN CELL DISEASE; PONTOCEREBELLAR HYPOPLASIA WITH INFANTILE SPINAL MUSCULAR ATROPHY. Identifiers: Orphanet 2254, Orphanet 88616, MedGen C1843504, MONDO:0011866, OMIM 607596.

Submission:

Myriad Genetics, Inc.
Classification: Pathogenic for Pontocerebellar hypoplasia type 1A. Last evaluated: 2023-08-31. Review status: criteria provided, single submitter. Criteria: Myriad Autosomal Dominant, Autosomal Recessive and X-Linked Classification Criteria (2023). Collection method: clinical testing. Allele origin: unknown.
Comment: NM_003384.2(VRK1):c.384delT(F128Lfs*2) is expected to be pathogenic in the context of pontocerebellar hypoplasia, VRK1-related. This variant is predicted to lead to an abnormal or absent protein product due to the creation of a premature termination codon in VRK1, a gene where loss-of-function variants are known to be pathogenic. Please note: this variant was assessed in the context of healthy population screening.

NM_003384.3(VRK1):c.384del (p.Phe128fs)

Gene: VRK1 (VRK serine/threonine kinase 1; plus strand). Cytogenetic location: 14q32.2.
Variant type: Deletion.
Coding change: c.384del on transcript NM_003384.3 (MANE Select); coding-DNA position 384, one base deleted (T; older notation c.384delT).
Protein change: p.Phe128fs; shifts the reading frame from phenylalanine 128.
Molecular consequence: frameshift variant.
Genome position (GRCh38, 1-based): chr14:96,852,840, T deleted; the last of 3 consecutive T bases (chr14:96,852,838-96,852,840); deleting any one gives the same sequence. VCF-style (leftmost placement, unchanged base first): chr14-96852837-GT-G. GRCh37 (hg19) VCF-style: chr14-97319174-GT-G.
Other names: c.384del, p.Phe128fs (NM_001411051.1, NM_001411053.1); short protein forms F128fs.
Identifiers: ClinVar variation 5011505 (VCV005011505.1).